The following is an entry in ClinVar:

ClinVar aggregate classification (germline): Uncertain significance (1 of 4 stars; one submission).

Conditions:
Hereditary cancer-predisposing syndrome. Also called: Tumor predisposition; Hereditary neoplastic syndrome; Hereditary Cancer Syndrome; Neoplastic Syndromes, Hereditary. Identifiers: Orphanet 140162, MedGen C0027672, MeSH D009386, MONDO:0015356.

Allele frequency attached by ClinVar (database versions not stated): TOPMed 0.00001.

Submission:

Ambry Genetics
Classification: Uncertain significance for Hereditary cancer-predisposing syndrome. Last evaluated: 2023-11-02. Review status: criteria provided, single submitter. Criteria: Ambry Variant Classification Scheme 2023. Collection method: clinical testing. Allele origin: germline.
Comment: The p.A301G variant (also known as c.902C>G), located in coding exon 10 of the BAP1 gene, results from a C to G substitution at nucleotide position 902. The alanine at codon 301 is replaced by glycine, an amino acid with similar properties. This amino acid position is conserved. In addition, this alteration is predicted to be tolerated by in silico analysis. Since supporting evidence is limited at this time, the clinical significance of this alteration remains unclear.

NM_004656.4(BAP1):c.902C>G (p.Ala301Gly)

Gene: BAP1 (BRCA1 associated deubiquitinase 1; minus strand). Cytogenetic location: 3p21.1.
Variant type: single nucleotide variant.
Coding change: c.902C>G on transcript NM_004656.4 (MANE Select); coding-DNA position 902, C replaced by G.
Protein change: p.Ala301Gly; replaces alanine 301 with glycine.
Molecular consequence: missense variant.
Genome position (GRCh38, 1-based): chr3:52,405,794, G>C on the plus strand (C>G on the coding strand, the complement: BAP1 is on the minus strand). VCF-style: chr3-52405794-G-C. GRCh37 (hg19) VCF-style: chr3-52439810-G-C.
Other names: c.848C>G, p.Ala283Gly (NM_001410772.1); short protein forms A283G, A301G.
Identifiers: ClinVar variation 3224483 (VCV003224483.1), dbSNP rs1475900818, ClinGen allele CA353106589.
Genomic context (GRCh38, chr3:52,405,794, plus strand): 5'-GGTCCACAAGAGGTCCCAAACCCCCCAGTACCTGTGTGGTTGCCCTCAGAGGCTGCAGGG[G>C]CCCTGTTTGCTTCCAGCACCAGCGGGGACTTGTTGCTGGCTGACTTGGACTCCTCAGGCA-3'
Protein context (NP_004647.1, residues 291-311): KSPLVLEANR[Ala301Gly]PAASEGNHTD